The following is an entry in ClinVar:

NM_001099274.3(TINF2):c.82G>C (p.Val28Leu)

Genes: TINF2 (TERF1 interacting nuclear factor 2; minus strand), LOC130055403 (ATAC-STARR-seq lymphoblastoid active region 8199; plus strand). Cytogenetic location: 14q12.
Variant type: single nucleotide variant.
Coding change: c.82G>C on transcript NM_001099274.3 (MANE Select); coding-DNA position 82, G replaced by C.
Protein change: p.Val28Leu; replaces valine 28 with leucine.
Molecular consequence: missense variant.
Genome position (GRCh38, 1-based): chr14:24,242,251, C>G on the plus strand (G>C on the coding strand, the complement: TINF2 is on the minus strand). VCF-style: chr14-24242251-C-G. GRCh37 (hg19) VCF-style: chr14-24711457-C-G.
Other names: c.82G>C, p.Val28Leu (NM_001363668.2, NM_012461.3); short protein forms V28L.
Identifiers: ClinVar variation 2048176 (VCV002048176.4), dbSNP rs2502467920, ClinGen allele CA389236243.

ClinVar aggregate classification (germline): Uncertain significance (1 of 4 stars; one submission).

Conditions:
Dyskeratosis congenita. Identifiers: Orphanet 1775, MedGen C0265965, MONDO:0015780.

Submission:

Labcorp Genetics (formerly Invitae), Labcorp
Classification: Uncertain significance for Dyskeratosis congenita. Last evaluated: 2021-12-19. Review status: criteria provided, single submitter. Criteria: Invitae Variant Classification Sherloc (09022015). Collection method: clinical testing. Allele origin: germline.
Comment: This sequence change replaces valine, which is neutral and non-polar, with leucine, which is neutral and non-polar, at codon 28 of the TINF2 protein (p.Val28Leu). In summary, the available evidence is currently insufficient to determine the role of this variant in disease. Therefore, it has been classified as a Variant of Uncertain Significance. Algorithms developed to predict the effect of missense changes on protein structure and function are either unavailable or do not agree on the potential impact of this missense change (SIFT: "Deleterious"; PolyPhen-2: "Benign"; Align-GVGD: "Class C0"). This variant has not been reported in the literature in individuals affected with TINF2-related conditions. This variant is not present in population databases (gnomAD no frequency).